The following is an entry in ClinVar:

ClinVar aggregate classification (germline): Uncertain significance. Review status: criteria provided, multiple submitters, no conflicts (2 of 4 stars). 3 submissions from 3 submitters: Uncertain significance (3). Last evaluated 2024-05-14.

Conditions:
Chédiak-Higashi syndrome (CHS). Also called: Chediak-Higashi Syndrome. Identifiers: Orphanet 167, MedGen C0007965, MONDO:0008963, OMIM 214500.
Inborn genetic diseases. Identifiers: MedGen C0950123, MeSH D030342.

Submissions (3):

Mayo Clinic Laboratories, Mayo Clinic
Classification: Uncertain significance. Last evaluated: 2024-05-14. Review status: criteria provided, single submitter. Criteria: ACMG Guidelines, 2015. Collection method: clinical testing. Allele origin: germline. Observed: 1 variant allele.
Comment: PM4

Labcorp Genetics (formerly Invitae), Labcorp
Classification: Uncertain significance for Chédiak-Higashi syndrome. Last evaluated: 2024-01-12. Review status: criteria provided, single submitter. Criteria: Invitae Variant Classification Sherloc (09022015). Collection method: clinical testing. Allele origin: germline.
Comment: This variant, c.2746_2747insCCG, results in the insertion of 1 amino acid(s) of the LYST protein (p.Ser915_Asp916insAla), but otherwise preserves the integrity of the reading frame. This variant is present in population databases (rs766885431, gnomAD 0.006%). This variant has not been reported in the literature in individuals affected with LYST-related conditions. ClinVar contains an entry for this variant (Variation ID: 1439514). Experimental studies and prediction algorithms are not available or were not evaluated, and the functional significance of this variant is currently unknown. In summary, the available evidence is currently insufficient to determine the role of this variant in disease. Therefore, it has been classified as a Variant of Uncertain Significance.

Ambry Genetics
Classification: Uncertain significance for Inborn genetic diseases. Last evaluated: 2022-08-04. Review status: criteria provided, single submitter. Criteria: Ambry Variant Classification Scheme 2023. Collection method: clinical testing. Allele origin: germline.
Comment: The c.2746_2747insCCG (p.S915_D916insA) alteration is located in exon 6 (coding exon 4) of the LYST gene. The alteration consists of an in-frame insertion of 3 nucleotides between nucleotide positions c.2746 and c.2747, resulting in the insertion of 1 residue. Based on insufficient or conflicting evidence, the clinical significance of this alteration remains unclear.

NM_000081.4(LYST):c.2746_2747insCCG (p.Ser915_Asp916insAla)

Gene: LYST (lysosomal trafficking regulator; minus strand). Cytogenetic location: 1q42.3.
Variant type: Insertion.
Coding change: c.2746_2747insCCG on transcript NM_000081.4 (MANE Select); coding-DNA positions 2746 to 2747, CCG inserted.
Protein change: p.Ser915_Asp916insAla.
Molecular consequence: inframe insertion.
Genome position: GRCh38 VCF-style: chr1-235806389-T-TCGG. GRCh37 (hg19) VCF-style: chr1-235969689-T-TCGG.
Other names: p.Ser915_Asp916insAla; c.2746_2747insCCG, p.Ser915_Asp916insAla (NM_001301365.1); c.2746_2747insCCG (NM_000081.2).
Identifiers: ClinVar variation 1439514 (VCV001439514.7), dbSNP rs766885431, ClinGen allele CA1467222.